The following is an entry in ClinVar:

ClinVar aggregate classification (germline): Uncertain significance (1 of 4 stars; one submission).

Submission:

Labcorp Genetics (formerly Invitae), Labcorp
Classification: Uncertain significance. Last evaluated: 2022-12-04. Review status: criteria provided, single submitter. Criteria: Invitae Variant Classification Sherloc (09022015). Collection method: clinical testing. Allele origin: germline.
Comment: This variant is not present in population databases (gnomAD no frequency). This variant has not been reported in the literature in individuals affected with RGR-related conditions. This sequence change falls in intron 6 of the RGR gene. It does not directly change the encoded amino acid sequence of the RGR protein. In summary, the available evidence is currently insufficient to determine the role of this variant in disease. Therefore, it has been classified as a Variant of Uncertain Significance. Algorithms developed to predict the effect of sequence changes on RNA splicing suggest that this variant may create or strengthen a splice site.

NM_001012720.2(RGR):c.745-4A>G

Gene: RGR (retinal G protein coupled receptor; plus strand). Cytogenetic location: 10q23.1.
Variant type: single nucleotide variant.
Coding change: c.745-4A>G on transcript NM_001012720.2 (MANE Select); 4 bases into the intron before coding-DNA position 745, A replaced by G.
Molecular consequence: intron variant.
Genome position (GRCh38, 1-based): chr10:84,258,504, A>G. VCF-style: chr10-84258504-A-G. GRCh37 (hg19) VCF-style: chr10-86018260-A-G.
Other names: c.757-4A>G (NM_002921.4); c.631-4A>G (NM_001012722.2).
Identifiers: ClinVar variation 2878998 (VCV002878998.3), dbSNP rs1842915632, ClinGen allele CA2739275862.